The following is an entry in ClinVar:

ClinVar aggregate classification (germline): Uncertain significance (1 of 4 stars; one submission).

Submission:

Labcorp Genetics (formerly Invitae), Labcorp
Classification: Uncertain significance. Last evaluated: 2025-01-25. Review status: criteria provided, single submitter. Criteria: Invitae Variant Classification Sherloc (09022015). Collection method: clinical testing. Allele origin: germline.
Comment: This sequence change replaces aspartic acid, which is acidic and polar, with asparagine, which is neutral and polar, at codon 580 of the KMT2A protein (p.Asp580Asn). This variant is present in population databases (rs781846454, gnomAD 0.01%). This variant has not been reported in the literature in individuals affected with KMT2A-related conditions. Invitae Evidence Modeling of protein sequence and biophysical properties (such as structural, functional, and spatial information, amino acid conservation, physicochemical variation, residue mobility, and thermodynamic stability) has been performed for this missense variant. However, the output from this modeling did not meet the statistical confidence thresholds required to predict the impact of this variant on KMT2A protein function. In summary, the available evidence is currently insufficient to determine the role of this variant in disease. Therefore, it has been classified as a Variant of Uncertain Significance.

NM_001197104.2(KMT2A):c.1738G>A (p.Asp580Asn)

Gene: KMT2A (lysine methyltransferase 2A; plus strand). Cytogenetic location: 11q23.3.
Variant type: single nucleotide variant.
Coding change: c.1738G>A on transcript NM_001197104.2 (MANE Select); coding-DNA position 1738, G replaced by A.
Protein change: p.Asp580Asn; replaces aspartic acid 580 with asparagine.
Molecular consequence: missense variant.
Genome position (GRCh38, 1-based): chr11:118,472,897, G>A. VCF-style: chr11-118472897-G-A. GRCh37 (hg19) VCF-style: chr11-118343612-G-A.
Other names: c.1738G>A, p.Asp580Asn (NM_005933.4); c.1837G>A, p.Asp613Asn (NM_001412597.1); short protein forms D580N, D613N.
Identifiers: ClinVar variation 3624165 (VCV003624165.2).